The following is an entry in ClinVar:

ClinVar aggregate classification (germline): Uncertain significance (1 of 4 stars; one submission).

gnomAD v4.1: 2 of 1,613,928 alleles (0.00012%); highest among the groups gnomAD compares: Non-Finnish European, 0.00017%; no homozygotes.

Submission:

Labcorp Genetics (formerly Invitae), Labcorp
Classification: Uncertain significance. Last evaluated: 2025-10-10. Review status: criteria provided, single submitter. Criteria: Invitae Variant Classification Sherloc (09022015). Collection method: clinical testing. Allele origin: germline.
Comment: This sequence change replaces arginine, which is basic and polar, with glycine, which is neutral and non-polar, at codon 1383 of the NPAT protein (p.Arg1383Gly). This variant is not present in population databases (gnomAD no frequency). This variant has not been reported in the literature in individuals affected with NPAT-related conditions. ClinVar contains an entry for this variant (Variation ID: 3706099). An algorithm developed to predict the effect of missense changes on protein structure and function (PolyPhen-2) suggests that this variant is likely to be disruptive. In summary, the available evidence is currently insufficient to determine the role of this variant in disease. Therefore, it has been classified as a Variant of Uncertain Significance.

NM_002519.3(NPAT):c.4147C>G (p.Arg1383Gly)

Gene: NPAT (nuclear protein, coactivator of histone transcription; minus strand). Cytogenetic location: 11q22.3.
Variant type: single nucleotide variant.
Coding change: c.4147C>G on transcript NM_002519.3 (MANE Select); coding-DNA position 4147, C replaced by G.
Protein change: p.Arg1383Gly; replaces arginine 1383 with glycine.
Molecular consequence: missense variant.
Genome position (GRCh38, 1-based): chr11:108,160,939, G>C on the plus strand (C>G on the coding strand, the complement: NPAT is on the minus strand). VCF-style: chr11-108160939-G-C. GRCh37 (hg19) VCF-style: chr11-108031666-G-C.
Other names: c.4168C>G, p.Arg1390Gly (NM_001321307.1); short protein forms R1383G, R1390G.
Identifiers: ClinVar variation 3706099 (VCV003706099.2).